The following is an entry in ClinVar:

ClinVar aggregate classification (germline): Conflicting classifications of pathogenicity. Review status: criteria provided, conflicting classifications (1 of 4 stars). 4 submissions from 4 submitters: Uncertain significance (3); Likely benign (1). Last evaluated 2026-02-20.

Conditions:
Inborn genetic diseases. Identifiers: MedGen C0950123, MeSH D030342.
Ataxia-pancytopenia syndrome (ATXPC). Also called: SAMD9L Ataxia-Pancytopenia Syndrome; SAMD9L-Related Syndrome. Identifiers: Orphanet 2585, MedGen C1327919, MONDO:0008038, OMIM 159550.

Allele frequency attached by ClinVar (database versions not stated): TOPMed below 0.00001; ExAC 0.00001; gnomAD 0.00001; gnomAD exomes 0.00003; ESP Exome Variant Server 0.00008.
gnomAD v4.1: 18 of 1,612,798 alleles (0.0011%); highest among the groups gnomAD compares: Non-Finnish European, 0.0015%; no homozygotes.

Submissions (4):

St. Jude Molecular Pathology, St. Jude Children's Research Hospital
Classification: Uncertain significance for Ataxia-pancytopenia syndrome. Last evaluated: 2026-02-20. Review status: criteria provided, single submitter. Criteria: St. Jude Assertion Criteria 2020. Collection method: clinical testing. Allele origin: germline.
Comment: The SAMD9L c.829A>G p.(Ile277Val) missense change has a maximum subpopulation frequency of 0.0018% in gnomAD v2.1.1. The in silico tool REVEL predicts a benign effect on protein function, but to our knowledge this prediction has not been confirmed by functional studies. In silico predictions have not been found to correlate with syndromic risk and are not considered supporting evidence of a pathogenic or benign effect (PMID: 34621053). To our knowledge, this variant has not been reported in individuals with ataxia-pancytopenia syndrome or monosomy 7 myelodysplasia and leukemia syndrome. In summary, the evidence currently available is insufficient to determine the clinical significance of this variant. It has therefore been classified as of uncertain significance.

Labcorp Genetics (formerly Invitae), Labcorp
Classification: Uncertain significance. Last evaluated: 2025-05-27. Review status: criteria provided, single submitter. Criteria: Invitae Variant Classification Sherloc (09022015). Collection method: clinical testing. Allele origin: germline.
Comment: This sequence change replaces isoleucine, which is neutral and non-polar, with valine, which is neutral and non-polar, at codon 277 of the SAMD9L protein (p.Ile277Val). This variant is not present in population databases (gnomAD no frequency). This variant has not been reported in the literature in individuals affected with SAMD9L-related conditions. ClinVar contains an entry for this variant (Variation ID: 2289325). An algorithm developed to predict the effect of missense changes on protein structure and function outputs the following: PolyPhen-2: "Not Available". The valine amino acid residue is found in multiple mammalian species, which suggests that this missense change does not adversely affect protein function. In summary, the available evidence is currently insufficient to determine the role of this variant in disease. Therefore, it has been classified as a Variant of Uncertain Significance.

Ambry Genetics
Classification: Likely benign for Inborn genetic diseases. Last evaluated: 2025-01-05. Review status: criteria provided, single submitter. Criteria: Ambry Variant Classification Scheme 2023. Collection method: clinical testing. Allele origin: germline.

GeneDx
Classification: Uncertain significance. Last evaluated: 2023-05-22. Review status: criteria provided, single submitter. Criteria: GeneDx Variant Classification Process June 2021. Collection method: clinical testing. Allele origin: germline. Affected: yes.
Comment: Not observed at significant frequency in large population cohorts (gnomAD); In silico analysis supports that this missense variant does not alter protein structure/function; Has not been previously published as pathogenic or benign to our knowledge; This variant is associated with the following publications: (PMID: 28545555)

NM_152703.5(SAMD9L):c.829A>G (p.Ile277Val)

Gene: SAMD9L (sterile alpha motif domain containing 9 like; minus strand). Cytogenetic location: 7q21.2.
Variant type: single nucleotide variant.
Coding change: c.829A>G on transcript NM_152703.5 (MANE Select); coding-DNA position 829, A replaced by G.
Protein change: p.Ile277Val; replaces isoleucine 277 with valine.
Molecular consequence: missense variant.
Genome position (GRCh38, 1-based): chr7:93,135,143, T>C on the plus strand (A>G on the coding strand, the complement: SAMD9L is on the minus strand). VCF-style: chr7-93135143-T-C. GRCh37 (hg19) VCF-style: chr7-92764456-T-C.
Other names: c.829A>G, p.Ile277Val (NM_001303496.3, NM_001303497.3, NM_001303498.3 and 5 more transcripts); c.829A>G (NM_152703.3); short protein forms I277V.
Identifiers: ClinVar variation 2289325 (VCV002289325.7), dbSNP rs140271757, ClinGen allele CA4343809.
Genomic context (GRCh38, chr7:93,135,143, plus strand): 5'-TGTTCTGCAGAAGGACTTCCACAAACCTTGGCTCCCGAATACACTTCTTGGCTTCATTGA[T>C]CTCACTTTCTTCAAAATACTTTTTGATCATTACATTGAAGTGGTCAATGAAGGCAGCCTT-3'
Protein context (NP_689916.2, residues 267-287): MIKKYFEESE[Ile277Val]NEAKKCIREP